The following is an entry in ClinVar:

ClinVar aggregate classification (germline): Uncertain significance (1 of 4 stars; one submission).

Conditions:
Congenital myasthenic syndrome 12 (CMS12). Also called: MYASTHENIC SYNDROME, CONGENITAL, WITH TUBULAR AGGREGATES 1; Myasthenia, congenital, 12, with tubular aggregates. Identifiers: Orphanet 353327, Orphanet 590, MedGen C3552335, MONDO:0012518, OMIM 610542.

Submission:

Labcorp Genetics (formerly Invitae), Labcorp
Classification: Uncertain significance for Congenital myasthenic syndrome 12. Last evaluated: 2017-03-06. Review status: criteria provided, single submitter. Criteria: Invitae Variant Classification Sherloc (09022015). Collection method: clinical testing. Allele origin: germline.
Comment: This sequence change replaces aspartic acid with valine at codon 624 of the GFPT1 protein (p.Asp624Val). The aspartic acid residue is highly conserved and there is a large physicochemical difference between aspartic acid and valine. This variant is not present in population databases (ExAC no frequency) and has not been reported in the literature in individuals with a GFPT1-related disease. Algorithms developed to predict the effect of missense changes on protein structure and function do not agree on the potential impact of this missense change (SIFT: "Deleterious"; PolyPhen-2: "Possibly Damaging"; Align-GVGD: "Class C0"). In summary, this variant is a novel missense change with uncertain impact on protein function. It has been classified as a Variant of Uncertain Significance.

NM_001244710.2(GFPT1):c.1925A>T (p.Asp642Val)

Gene: GFPT1 (glutamine--fructose-6-phosphate transaminase 1; minus strand). Cytogenetic location: 2p13.3.
Variant type: single nucleotide variant.
Coding change: c.1925A>T on transcript NM_001244710.2 (MANE Select); coding-DNA position 1925, A replaced by T.
Protein change: p.Asp642Val; replaces aspartic acid 642 with valine.
Molecular consequence: missense variant.
Genome position (GRCh38, 1-based): chr2:69,327,044, T>A on the plus strand (A>T on the coding strand, the complement: GFPT1 is on the minus strand). VCF-style: chr2-69327044-T-A. GRCh37 (hg19) VCF-style: chr2-69554176-T-A.
Other names: c.1871A>T, p.Asp624Val (NM_002056.4); short protein forms D642V, D624V.
Identifiers: ClinVar variation 473130 (VCV000473130.1), dbSNP rs1553385828, ClinGen allele CA347421655.
Genomic context (GRCh38, chr2:69,327,044, plus strand): 5'-AAGCAGTCCACTGAGTGGGGCACCTTGATCGTTCTTTTTGTGTTCTTAATGGTCTCAGTA[T>A]CCTCCTTATCACAAATTACCACAGGCCGCCCCTAGGAAAGAAAATCACACACATACACAA-3'
Protein context (NP_001231639.1, residues 632-652): GRPVVICDKE[Asp642Val]TETIKNTKRT